The following is an entry in ClinVar:

NM_001267550.2(TTN):c.17556T>C (p.Ile5852=)

Genes: TTN (titin; minus strand), LOC126806431 (CDK7 strongly-dependent group 2 enhancer GRCh37_chr2:179595719-179596918; plus strand). Cytogenetic location: 2q31.2.
Variant type: single nucleotide variant.
Coding change: c.17556T>C on transcript NM_001267550.2 (MANE Select); coding-DNA position 17556, T replaced by C.
Protein change: p.Ile5852=; no amino-acid change (isoleucine 5852 retained).
Molecular consequence: synonymous variant. On other transcripts: intron variant (3).
Genome position (GRCh38, 1-based): chr2:178,731,109, A>G on the plus strand (T>C on the coding strand, the complement: TTN is on the minus strand). VCF-style: chr2-178731109-A-G. GRCh37 (hg19) VCF-style: chr2-179595836-A-G.
Other names: c.16605T>C, p.Ile5535= (NM_001256850.1); c.13824T>C, p.Ile4608= (NM_133378.4); c.13282+6973T>C (NM_003319.4); c.13858+6973T>C (NM_133437.4); c.13657+6973T>C (NM_133432.3).
Identifiers: ClinVar variation 466854 (VCV000466854.12), dbSNP rs370776424, ClinGen allele CA2001795.

ClinVar aggregate classification (germline): Likely benign. Review status: criteria provided, multiple submitters, no conflicts (2 of 4 stars). 2 submissions from 2 submitters: Likely benign (2). Last evaluated 2025-12-07.

Conditions:
TTN-related disorder. Also called: TTN-related condition; TTN-related disease; TTN-related disorders.
Autosomal recessive limb-girdle muscular dystrophy type 2J (LGMDR10). Also called: Limb-girdle muscular dystrophy, type 2J; MUSCULAR DYSTROPHY, LIMB-GIRDLE, AUTOSOMAL RECESSIVE 10. Identifiers: Orphanet 140922, MedGen C1837342, MONDO:0012127, OMIM 608807.
Dilated cardiomyopathy 1G (CMD1G). Identifiers: Orphanet 154, MedGen C1858763, MONDO:0011400, OMIM 604145.

Allele frequency attached by ClinVar (database versions not stated): gnomAD exomes below 0.00001; ExAC 0.00001; gnomAD 0.00001; TOPMed 0.00002; ESP Exome Variant Server 0.00008.
gnomAD v4.1: 62 of 1,613,596 alleles (0.0038%); highest among the groups gnomAD compares: Non-Finnish European, 0.0052%; no homozygotes.

Submissions (2):

Labcorp Genetics (formerly Invitae), Labcorp
Classification: Likely benign for Dilated cardiomyopathy 1G; Autosomal recessive limb-girdle muscular dystrophy type 2J. Last evaluated: 2025-12-07. Review status: criteria provided, single submitter. Criteria: Invitae Variant Classification Sherloc (09022015). Collection method: clinical testing. Allele origin: germline.

PreventionGenetics, part of Exact Sciences
Classification: Likely benign for TTN-related condition. Last evaluated: 2025-10-29. Review status: criteria provided, single submitter. Criteria: ACMG Guidelines, 2015. Collection method: clinical testing. Allele origin: germline.
Comment: This variant is classified as likely benign based on ACMG/AMP sequence variant interpretation guidelines (Richards et al. 2015 PMID: 25741868, with internal and published modifications).